The following is an entry in ClinVar:

ClinVar aggregate classification (germline): Pathogenic. Review status: criteria provided, single submitter (1 of 4 stars). 2 submissions from 1 submitter: Pathogenic (1). 1 of the submissions does not count toward it. Last evaluated 2021-08-12.

Conditions:
Fumarase deficiency (FMRD). Also called: Fumaric aciduria; Fumarate Hydratase Deficiency. Identifiers: Orphanet 24, MedGen C0342770, MONDO:0011730, OMIM 606812.

Submissions (2):

Labcorp Genetics (formerly Invitae), Labcorp
Classification: Pathogenic. Last evaluated: 2021-08-12. Review status: criteria provided, single submitter. Criteria: Invitae Variant Classification Sherloc (09022015). Collection method: clinical testing. Allele origin: germline.
Comment: This variant is a gross deletion of the genomic region encompassing exon(s) 8-10 of the FH gene, which includes the termination codon. This deletion extends beyond the assayed region for this gene and therefore may encompass additional genes. While this deletion is not anticipated to lead to nonsense mediated decay, it is expected to alter mRNA translation or result in a truncated protein product. This variant has not been reported in the literature in individuals affected with FH-related conditions. This variant disrupts a region of the FH protein in which other variant(s) (p.Glu495Valfs*2, p.Trp500*, p.Gly490Alafs*12, p.Leu492Hisfs*6) have been determined to be pathogenic (PMID: 9635293, 12772087, 16597677, 21398687, 21404119; Invitae). This suggests that this is a clinically significant region of the protein, and that variants that disrupt it are likely to be disease-causing. For these reasons, this variant has been classified as Pathogenic.

Labcorp Genetics (formerly Invitae), Labcorp
Classification: Pathogenic for Fumarase deficiency. Last evaluated: 2019-02-15. Review status: flagged submission. Criteria: Invitae Variant Classification Sherloc (09022015). Collection method: clinical testing. Allele origin: germline. Not counted in ClinVar's aggregate classification.
Comment: This variant is a gross deletion of the genomic region encompassing exons 8-10 of the FH gene. The 5' boundary is likely confined to intron 7. The 3' end of this event is unknown as it extends through the termination codon beyond the assayed region for this gene and may encompass additional genes. While this deletion is not anticipated to result in nonsense mediated decay, it is expected to create a truncated protein product or disrupt mRNA translation. This variant has not been reported in the literature in individuals with FH-related conditions. This variant disrupts the C-terminus of the FH protein. Other variant(s) that disrupt this region (p.Gly490Alafs*12, p.Leu492Hisfs*6, p.Glu495Valfs*2, and p.Trp500*) have been determined to be pathogenic (PMID: 12772087, 21404119, 16597677, 9635293, 21398687, Invitae). This suggests that variants that disrupt this region of the protein are likely to be causative of disease. For these reasons, this variant has been classified as Pathogenic.
ClinVar note: Reason: This record appears to be redundant with a more recent record from the same submitter.
ClinVar note: Notes: SCV001196908 appears to be redundant with SCV003790735.

Literature cited by the submitters: PubMed 9635293; PubMed 12772087; PubMed 16597677; PubMed 21398687; PubMed 21404119.

NC_000001.11:g.(?_241497818)_(241502580_?)del

Gene: FH (fumarate hydratase; minus strand). Cytogenetic location: 1q43.
Variant type: Deletion.
Identifiers: ClinVar variation 833143 (VCV000833143.4).